The following is an entry in ClinVar:

ClinVar aggregate classification (germline): Pathogenic (1 of 4 stars; one submission).

Conditions:
TH-deficient dopa-responsive dystonia. Also called: Segawa syndrome, autosomal recessive; Tyrosine Hydroxylase-Deficient Dopa-Responsive Dystonia; DYT-TH. Identifiers: Orphanet 101150, MedGen C2673535, MONDO:0011551, OMIM 605407.

Submission:

Myriad Genetics, Inc.
Classification: Pathogenic for TH-deficient dopa-responsive dystonia. Last evaluated: 2023-09-27. Review status: criteria provided, single submitter. Criteria: Myriad Autosomal Dominant, Autosomal Recessive and X-Linked Classification Criteria (2023). Collection method: clinical testing. Allele origin: unknown.
Comment: NM_199292.2(TH):c.305dupT(A103Gfs*3) is expected to be pathogenic in the context of tyrosine hydroxylase deficiency. This variant is predicted to lead to an abnormal or absent protein product due to the creation of a premature termination codon in TH, a gene where loss-of-function variants are known to be pathogenic. Please note: this variant was assessed in the context of healthy population screening.

NM_000360.4(TH):c.212dup (p.Ala72fs)

Gene: TH (tyrosine hydroxylase; minus strand). Cytogenetic location: 11p15.5.
Variant type: Duplication.
Coding change: c.212dup on transcript NM_000360.4 (MANE Select); coding-DNA position 212, one base duplicated (T; older notation c.212dupT).
Protein change: p.Ala72fs; shifts the reading frame from alanine 72.
Molecular consequence: frameshift variant.
Genome position (GRCh38, 1-based): chr11:2,169,750, A duplicated on the plus strand (T on the coding strand, the reverse complement: TH is on the minus strand). VCF-style (leftmost placement, unchanged base first): chr11-2169749-C-CA. GRCh37 (hg19) VCF-style: chr11-2190979-C-CA.
Other names: c.224dup, p.Ala76fs (NM_001440535.1, NM_001440536.1); c.212dup, p.Ala72fs (NM_001440537.1); c.305dup, p.Ala103fs (NM_199292.3); c.293dup, p.Ala99fs (NM_199293.3); short protein forms A103fs, A72fs, A76fs, A99fs.
Identifiers: ClinVar variation 5011922 (VCV005011922.1).